The following is an entry in ClinVar:

NM_000051.4(ATM):c.5538dup (p.His1847fs)

Gene: ATM (ATM serine/threonine kinase; plus strand). Cytogenetic location: 11q22.3.
Variant type: Duplication.
Coding change: c.5538dup on transcript NM_000051.4 (MANE Select); coding-DNA position 5538, one base duplicated (T; older notation c.5538dupT).
Protein change: p.His1847fs; shifts the reading frame from histidine 1847.
Molecular consequence: frameshift variant.
Genome position (GRCh38, 1-based): chr11:108,304,716, T duplicated; the last of 2 consecutive T bases (chr11:108,304,715-108,304,716); duplicating either gives the same sequence. VCF-style (leftmost placement, unchanged base first): chr11-108304714-A-AT. GRCh37 (hg19) VCF-style: chr11-108175441-A-AT.
Other names: c.5538dupT (NM_000051.3); c.5538dup, p.His1847fs (NM_001351834.2); short protein forms H1847fs.
Identifiers: ClinVar variation 2453950 (VCV002453950.2), dbSNP rs2135943275, ClinGen allele CA2573053406.

ClinVar aggregate classification (germline): Pathogenic (1 of 4 stars; one submission).

Conditions:
Hereditary cancer-predisposing syndrome. Also called: Neoplastic Syndromes, Hereditary; Hereditary neoplastic syndrome; Tumor predisposition; Hereditary Cancer Syndrome. Identifiers: Orphanet 140162, MedGen C0027672, MeSH D009386, MONDO:0015356.

Submission:

Ambry Genetics
Classification: Pathogenic for Hereditary cancer-predisposing syndrome. Last evaluated: 2022-12-28. Review status: criteria provided, single submitter. Criteria: Ambry Variant Classification Scheme 2023. Collection method: clinical testing. Allele origin: germline.
Comment: The c.5538dupT pathogenic mutation, located in coding exon 36 of the ATM gene, results from a duplication of T at nucleotide position 5538, causing a translational frameshift with a predicted alternate stop codon (p.H1847Sfs*2). This variant is considered to be rare based on population cohorts in the Genome Aggregation Database (gnomAD). This alteration is expected to result in loss of function by premature protein truncation or nonsense-mediated mRNA decay. As such, this alteration is interpreted as a disease-causing mutation.